The following is an entry in ClinVar:

ClinVar aggregate classification (germline): Uncertain significance (1 of 4 stars; one submission).

Submission:

CeGaT Center for Human Genetics Tuebingen
Classification: Uncertain significance. Last evaluated: 2023-01-01. Review status: criteria provided, single submitter. Criteria: CeGaT Center For Human Genetics Tuebingen Variant Classification Criteria Version 2. Collection method: clinical testing. Allele origin: germline. Affected: yes. Observed: 1 variant allele.
Comment: HNRNPH1: PM2, PP2

NM_001257293.2(HNRNPH1):c.934C>T (p.Leu312Phe)

Genes: HNRNPH1 (heterogeneous nuclear ribonucleoprotein H1; minus strand), LOC128966623 (uncharacterized LOC128966623; plus strand). Cytogenetic location: 5q35.3.
Variant type: single nucleotide variant.
Coding change: c.934C>T on transcript NM_001257293.2 (MANE Select); coding-DNA position 934, C replaced by T.
Protein change: p.Leu312Phe; replaces leucine 312 with phenylalanine.
Molecular consequence: missense variant.
Genome position (GRCh38, 1-based): chr5:179,617,637, G>A on the plus strand (C>T on the coding strand, the complement: HNRNPH1 is on the minus strand). VCF-style: chr5-179617637-G-A. GRCh37 (hg19) VCF-style: chr5-179044638-G-A.
Other names: c.934C>T, p.Leu312Phe (NM_001364239.2, NM_001364244.2, NM_001364245.2 and 27 more transcripts); c.913C>T, p.Leu305Phe (NM_001364240.2, NM_001364241.2, NM_001364242.2 and 6 more transcripts); c.703C>T, p.Leu235Phe (NM_001395190.1); c.616C>T, p.Leu206Phe (NM_001395191.1, NM_001395192.1); c.523C>T, p.Leu175Phe (NM_001395193.1); c.331C>T, p.Leu111Phe (NM_001395194.1, NM_001395195.1, NM_001364251.2 and 4 more transcripts); c.778C>T, p.Leu260Phe (NM_001364250.2); short protein forms L111F, L175F, L206F, L235F, L260F, L305F, L312F.
Identifiers: ClinVar variation 2656133 (VCV002656133.24), dbSNP rs2532664814, ClinGen allele CA362437644.